The following is an entry in ClinVar:

NM_000016.6(ACADM):c.87A>G (p.Arg29=)

Gene: ACADM (acyl-CoA dehydrogenase medium chain; plus strand). Cytogenetic location: 1p31.1.
Variant type: single nucleotide variant.
Coding change: c.87A>G on transcript NM_000016.6 (MANE Select); coding-DNA position 87, A replaced by G.
Protein change: p.Arg29=; no amino-acid change (arginine 29 retained).
Molecular consequence: synonymous variant. On other transcripts: intron variant (2).
Genome position (GRCh38, 1-based): chr1:75,728,457, A>G. VCF-style: chr1-75728457-A-G. GRCh37 (hg19) VCF-style: chr1-76194142-A-G.
Other names: c.99A>G, p.Arg33= (NM_001127328.3); c.87A>G, p.Arg29= (NM_001286043.2); c.10+3640A>G (NM_001286042.2); c.-268+3640A>G (NM_001286044.2).
Identifiers: ClinVar variation 1353196 (VCV001353196.6), dbSNP rs2100347177, ClinGen allele CA418538601.
Genomic context (GRCh38, chr1:75,728,457, plus strand): 5'-ACAGGTCCTGAGAAGTATTTCTCGTTTTCATTGGAGATCACAGCATACAAAAGCCAATCG[A>G]CAACGTGAACCAGGATTAGGATTTAGTTTTGGTATATGTTCGGTTCTATCTTTTGACTTT-3'
Protein context (NP_000007.1, residues 19-39): HWRSQHTKAN[Arg29=]QREPGLGFSF

ClinVar aggregate classification (germline): Uncertain significance (1 of 4 stars; one submission).

Conditions:
Medium-chain acyl-coenzyme A dehydrogenase deficiency (ACADMD). Also called: ACADM DEFICIENCY; MCADH DEFICIENCY; MCADD; Medium chain acyl-CoA dehydrogenase deficiency; CARNITINE DEFICIENCY SECONDARY TO MEDIUM-CHAIN ACYL-CoA DEHYDROGENASE DEFICIENCY; MCAD Deficiency. Identifiers: Orphanet 42, MedGen C0220710, MONDO:0008721, OMIM 201450.

Submission:

Labcorp Genetics (formerly Invitae), Labcorp
Classification: Uncertain significance for Medium-chain acyl-coenzyme A dehydrogenase deficiency. Last evaluated: 2021-11-30. Review status: criteria provided, single submitter. Criteria: Invitae Variant Classification Sherloc (09022015). Collection method: clinical testing. Allele origin: germline.
Comment: In summary, the available evidence is currently insufficient to determine the role of this variant in disease. Therefore, it has been classified as a Variant of Uncertain Significance. Algorithms developed to predict the effect of sequence changes on RNA splicing suggest that this variant is not likely to affect RNA splicing. This variant has been observed in individual(s) with medium-chain acyl-coA dehydrogenase deficiency (Invitae). This variant is not present in population databases (gnomAD no frequency). This sequence change affects codon 29 of the ACADM mRNA. It is a 'silent' change, meaning that it does not change the encoded amino acid sequence of the ACADM protein.